The following is an entry in ClinVar:

ClinVar aggregate classification (germline): Uncertain significance. Review status: criteria provided, multiple submitters, no conflicts (2 of 4 stars). 3 submissions from 3 submitters: Uncertain significance (3). Last evaluated 2024-11-11.

Conditions:
Polyglucosan body myopathy type 2. Identifiers: Orphanet 456369, MedGen C4015452, MONDO:0014526, OMIM 616199.
Glycogen storage disease XV (GSD15). Also called: GLYCOGENIN DEFICIENCY; GSD XV. Identifiers: Orphanet 263297, MedGen C3150754, MONDO:0013291, OMIM 613507.
Inborn genetic diseases. Identifiers: MedGen C0950123, MeSH D030342.

Allele frequency attached by ClinVar (database versions not stated): ExAC 0.00001; TOPMed 0.00001; gnomAD exomes 0.00002; gnomAD 0.00005 and 0.00006; ESP Exome Variant Server 0.00008.
gnomAD v4.1: 59 of 1,613,644 alleles (0.0037%); highest among the groups gnomAD compares: Non-Finnish European, 0.0043%; no homozygotes.

Submissions (3):

Labcorp Genetics (formerly Invitae), Labcorp
Classification: Uncertain significance for Polyglucosan body myopathy type 2; Glycogen storage disease XV. Last evaluated: 2024-11-11. Review status: criteria provided, single submitter. Criteria: Invitae Variant Classification Sherloc (09022015). Collection method: clinical testing. Allele origin: germline.
Comment: This sequence change replaces glutamic acid, which is acidic and polar, with lysine, which is basic and polar, at codon 234 of the GYG1 protein (p.Glu234Lys). This variant is present in population databases (rs372805607, gnomAD 0.006%). This variant has not been reported in the literature in individuals affected with GYG1-related conditions. ClinVar contains an entry for this variant (Variation ID: 1396767). An algorithm developed to predict the effect of missense changes on protein structure and function (PolyPhen-2) suggests that this variant is likely to be tolerated. In summary, the available evidence is currently insufficient to determine the role of this variant in disease. Therefore, it has been classified as a Variant of Uncertain Significance.

Ambry Genetics
Classification: Uncertain significance for Inborn genetic diseases. Last evaluated: 2023-09-25. Review status: criteria provided, single submitter. Criteria: Ambry Variant Classification Scheme 2023. Collection method: clinical testing. Allele origin: germline.

Blueprint Genetics
Classification: Uncertain significance. Last evaluated: 2022-05-06. Review status: criteria provided, single submitter. Criteria: ACMG Guidelines, 2015. Collection method: clinical testing. Allele origin: germline.

NM_004130.4(GYG1):c.700G>A (p.Glu234Lys)

Gene: GYG1 (glycogenin 1; plus strand). Cytogenetic location: 3q24.
Variant type: single nucleotide variant.
Coding change: c.700G>A on transcript NM_004130.4 (MANE Select); coding-DNA position 700, G replaced by A.
Protein change: p.Glu234Lys; replaces glutamic acid 234 with lysine.
Molecular consequence: missense variant. On other transcripts: intron variant (1).
Genome position (GRCh38, 1-based): chr3:149,024,144, G>A. VCF-style: chr3-149024144-G-A. GRCh37 (hg19) VCF-style: chr3-148741931-G-A.
Other names: c.700G>A, p.Glu234Lys (NM_001184720.2); c.609-2616G>A (NM_001184721.2); c.700G>A (NM_004130.3); short protein forms E234K.
Identifiers: ClinVar variation 1396767 (VCV001396767.7), dbSNP rs372805607, ClinGen allele CA2658639.